The following is an entry in ClinVar:

NM_001277115.2(DNAH11):c.7864G>A (p.Ala2622Thr)

Gene: DNAH11 (dynein axonemal heavy chain 11; plus strand). Cytogenetic location: 7p15.3.
Variant type: single nucleotide variant.
Coding change: c.7864G>A on transcript NM_001277115.2 (MANE Select); coding-DNA position 7864, G replaced by A.
Protein change: p.Ala2622Thr; replaces alanine 2622 with threonine.
Molecular consequence: missense variant.
Genome position (GRCh38, 1-based): chr7:21,739,623, G>A. VCF-style: chr7-21739623-G-A. GRCh37 (hg19) VCF-style: chr7-21779241-G-A.
Other names: c.7885G>A (NM_003777.3); short protein forms A2622T.
Identifiers: ClinVar variation 658223 (VCV000658223.11), dbSNP rs200462132, ClinGen allele CA4181386.

ClinVar aggregate classification (germline): Conflicting classifications of pathogenicity. Review status: criteria provided, conflicting classifications (1 of 4 stars). 2 submissions from 2 submitters: Uncertain significance (1); Benign (1). Last evaluated 2025-12-03.

Conditions:
Primary ciliary dyskinesia. Also called: Ciliary dyskinesia. Identifiers: Orphanet 244, MedGen C0008780, MONDO:0016575, HP:0012265.

Allele frequency attached by ClinVar (database versions not stated): gnomAD exomes 0.00003 and 0.00005; gnomAD 0.00005 and 0.00006; ExAC 0.00006; 1000 Genomes Project 0.00020; 1000 Genomes Project 30x 0.00031.
gnomAD v4.1: 53 of 1,612,724 alleles (0.0033%); highest among the groups gnomAD compares: Middle Eastern, 0.017%; no homozygotes.

Submissions (2):

Labcorp Genetics (formerly Invitae), Labcorp
Classification: Benign for Primary ciliary dyskinesia. Last evaluated: 2025-12-03. Review status: criteria provided, single submitter. Criteria: Invitae Variant Classification Sherloc (09022015). Collection method: clinical testing. Allele origin: germline.

Ambry Genetics
Classification: Uncertain significance for Primary ciliary dyskinesia. Last evaluated: 2015-05-21. Review status: criteria provided, single submitter. Criteria: Ambry Variant Classification Scheme 2023. Collection method: clinical testing. Allele origin: germline.
Comment: The p.A2629T variant (also known as c.7885G>A), located in coding exon 48 of the DNAH11 gene, results from a G to A substitution at nucleotide position 7885. The alanine at codon 2629 is replaced by threonine, an amino acid with similar properties. This variant was previously reported in the SNPDatabase as rs200462132, but allele frequency data for this variant in population-based cohorts is not available in the following databases:NHLBI Exome Sequencing Project (ESP) and 1000 Genomes Project. This amino acid position is not well conserved in available vertebrate species. In addition, this alteration is predicted to be tolerated by in silico analysis. Since supporting evidence is limited at this time, the clinical significance of this variant remains unclear.